The following is an entry in ClinVar:

ClinVar aggregate classification (germline): Uncertain significance. Review status: criteria provided, multiple submitters, no conflicts (2 of 4 stars). 2 submissions from 2 submitters: Uncertain significance (2). Last evaluated 2022-07-15.

Conditions:
Renal cell carcinoma. Identifiers: Orphanet 217071, MedGen C0007134, MeSH D002292, MONDO:0005086, HP:0005584.
Hereditary cancer-predisposing syndrome. Also called: Neoplastic Syndromes, Hereditary; Tumor predisposition; Hereditary Cancer Syndrome; Hereditary neoplastic syndrome. Identifiers: Orphanet 140162, MedGen C0027672, MeSH D009386, MONDO:0015356.

Allele frequency attached by ClinVar (database versions not stated): gnomAD exomes below 0.00001.
gnomAD v4.1: 1 of 1,614,094 alleles (0.000062%); highest among the groups gnomAD compares: Non-Finnish European, 0.000085%; no homozygotes.

Submissions (2):

Ambry Genetics
Classification: Uncertain significance for Hereditary cancer-predisposing syndrome. Last evaluated: 2022-07-15. Review status: criteria provided, single submitter. Criteria: Ambry Variant Classification Scheme 2023. Collection method: clinical testing. Allele origin: germline.
Comment: The p.T276P variant (also known as c.826A>C), located in coding exon 1 of the MET gene, results from an A to C substitution at nucleotide position 826. The threonine at codon 276 is replaced by proline, an amino acid with highly similar properties. This amino acid position is highly conserved in available vertebrate species. In addition, the in silico prediction for this alteration is inconclusive. Since supporting evidence is limited at this time, the clinical significance of this alteration remains unclear.

Labcorp Genetics (formerly Invitae), Labcorp
Classification: Uncertain significance for Renal cell carcinoma. Last evaluated: 2020-06-21. Review status: criteria provided, single submitter. Criteria: Invitae Variant Classification Sherloc (09022015). Collection method: clinical testing. Allele origin: germline.
Comment: Algorithms developed to predict the effect of missense changes on protein structure and function are either unavailable or do not agree on the potential impact of this missense change (SIFT: "Deleterious"; PolyPhen-2: "Probably Damaging"; Align-GVGD: "Class C0"). This variant has not been reported in the literature in individuals with MET-related conditions. This variant is not present in population databases (ExAC no frequency). This sequence change replaces threonine with proline at codon 276 of the MET protein (p.Thr276Pro). The threonine residue is highly conserved and there is a small physicochemical difference between threonine and proline. In summary, the available evidence is currently insufficient to determine the role of this variant in disease. Therefore, it has been classified as a Variant of Uncertain Significance.

NM_000245.4(MET):c.826A>C (p.Thr276Pro)

Gene: MET (MET proto-oncogene, receptor tyrosine kinase; plus strand). Cytogenetic location: 7q31.2.
Variant type: single nucleotide variant.
Coding change: c.826A>C on transcript NM_000245.4 (MANE Select); coding-DNA position 826, A replaced by C.
Protein change: p.Thr276Pro; replaces threonine 276 with proline.
Molecular consequence: missense variant. On other transcripts: intron variant (1).
Genome position (GRCh38, 1-based): chr7:116,699,910, A>C. VCF-style: chr7-116699910-A-C. GRCh37 (hg19) VCF-style: chr7-116339964-A-C.
Other names: c.826A>C, p.Thr276Pro (NM_001127500.3, NM_001324401.3); c.-91+27333A>C (NM_001324402.2); short protein forms T276P.
Identifiers: ClinVar variation 1001279 (VCV001001279.11), dbSNP rs769128478, ClinGen allele CA368969934.
Genomic context (GRCh38, chr7:116,699,910, plus strand): 5'-AACAATTTTATTTACTTCTTGACGGTCCAAAGGGAAACTCTAGATGCTCAGACTTTTCAC[A>C]CAAGAATAATCAGGTTCTGTTCCATAAACTCTGGATTGCATTCCTACATGGAAATGCCTC-3'
Protein context (NP_000236.2, residues 266-286): RETLDAQTFH[Thr276Pro]RIIRFCSINS